The following is an entry in ClinVar:

NM_001135651.3(EIF2AK2):c.1249C>A (p.Pro417Thr)

Gene: EIF2AK2 (eukaryotic translation initiation factor 2 alpha kinase 2; minus strand). Cytogenetic location: 2p22.2.
Variant type: single nucleotide variant.
Coding change: c.1249C>A on transcript NM_001135651.3 (MANE Select); coding-DNA position 1249, C replaced by A.
Protein change: p.Pro417Thr; replaces proline 417 with threonine.
Molecular consequence: missense variant.
Genome position (GRCh38, 1-based): chr2:37,114,859, G>T on the plus strand (C>A on the coding strand, the complement: EIF2AK2 is on the minus strand). VCF-style: chr2-37114859-G-T. GRCh37 (hg19) VCF-style: chr2-37342002-G-T.
Other names: c.1126C>A, p.Pro376Thr (NM_001135652.3); c.1249C>A, p.Pro417Thr (NM_002759.4); short protein forms P376T, P417T.
Identifiers: ClinVar variation 4618309 (VCV004618309.1).
Genomic context (GRCh38, chr2:37,114,859, plus strand): 5'-TTACAAGTCCAAAGTCTCCAATCTTTACTTGTTTTGTATCTACTAAGAATATATTACTTG[G>T]CTATGAAAAAAAAAAATTTAACTTACATGTACCAACTTAACATACTATTACCACATGTCT-3'
Protein context (NP_001129123.1, residues 407-427): SKKLIHRDLK[Pro417Thr]SNIFLVDTKQ

ClinVar aggregate classification (germline): Uncertain significance (1 of 4 stars; one submission).

Conditions:
Inborn genetic diseases. Identifiers: MedGen C0950123, MeSH D030342.

gnomAD v4.1: 6 of 1,544,340 alleles (0.00039%); highest among the groups gnomAD compares: Non-Finnish European, 0.00044%; no homozygotes.

Submission:

Ambry Genetics
Classification: Uncertain significance for Inborn genetic diseases. Last evaluated: 2025-11-23. Review status: criteria provided, single submitter. Criteria: Ambry Variant Classification Scheme 2023. Collection method: clinical testing. Allele origin: germline.
Comment: The c.1249C>A (p.P417T) alteration is located in exon 14 (coding exon 12) of the EIF2AK2 gene. This alteration results from a C to A substitution at nucleotide position 1249, causing the proline (P) at amino acid position 417 to be replaced by a threonine (T). Based on data from gnomAD, the A allele has an overall frequency of <0.001% (0/204762) total alleles studied. The highest observed frequency was <0.001% (/) of alleles. Based on insufficient or conflicting evidence, the clinical significance of this alteration remains unclear.